The following is an entry in ClinVar:

ClinVar aggregate classification (germline): Uncertain significance. Review status: criteria provided, multiple submitters, no conflicts (2 of 4 stars). 2 submissions from 2 submitters: Uncertain significance (2). Last evaluated 2025-05-15.

Conditions:
Cardiovascular phenotype. Identifiers: MedGen CN230736.
Dilated cardiomyopathy 1JJ (CMD1JJ). Identifiers: Orphanet 154, MedGen C3808935, MONDO:0014095, OMIM 615235.

gnomAD v4.1: 1 of 1,613,190 alleles (0.000062%); highest among the groups gnomAD compares: Non-Finnish European, 0.000085%; no homozygotes.

Submissions (2):

Labcorp Genetics (formerly Invitae), Labcorp
Classification: Uncertain significance for Dilated cardiomyopathy 1JJ. Last evaluated: 2025-05-15. Review status: criteria provided, single submitter. Criteria: Invitae Variant Classification Sherloc (09022015). Collection method: clinical testing. Allele origin: germline.
Comment: This sequence change replaces isoleucine, which is neutral and non-polar, with threonine, which is neutral and polar, at codon 1336 of the LAMA4 protein (p.Ile1336Thr). This variant is not present in population databases (gnomAD no frequency). This variant has not been reported in the literature in individuals affected with LAMA4-related conditions. An algorithm developed to predict the effect of missense changes on protein structure and function outputs the following: PolyPhen-2: "Benign". The threonine amino acid residue is found in multiple mammalian species, which suggests that this missense change does not adversely affect protein function. In summary, the available evidence is currently insufficient to determine the role of this variant in disease. Therefore, it has been classified as a Variant of Uncertain Significance.

Ambry Genetics
Classification: Uncertain significance for Cardiovascular phenotype. Last evaluated: 2025-04-24. Review status: criteria provided, single submitter. Criteria: Ambry Variant Classification Scheme 2023. Collection method: clinical testing. Allele origin: germline.
Comment: The p.I1336T variant (also known as c.4007T>C), located in coding exon 29 of the LAMA4 gene, results from a T to C substitution at nucleotide position 4007. The isoleucine at codon 1336 is replaced by threonine, an amino acid with similar properties. This amino acid position is conserved. In addition, this alteration is predicted to be tolerated by in silico analysis. Based on the available evidence, the clinical significance of this variant remains unclear.

NM_001105206.3(LAMA4):c.4028T>C (p.Ile1343Thr)

Gene: LAMA4 (laminin subunit alpha 4; minus strand). Cytogenetic location: 6q21.
Variant type: single nucleotide variant.
Coding change: c.4028T>C on transcript NM_001105206.3 (MANE Select); coding-DNA position 4028, T replaced by C.
Protein change: p.Ile1343Thr; replaces isoleucine 1343 with threonine.
Molecular consequence: missense variant.
Genome position (GRCh38, 1-based): chr6:112,129,981, A>G on the plus strand (T>C on the coding strand, the complement: LAMA4 is on the minus strand). VCF-style: chr6-112129981-A-G. GRCh37 (hg19) VCF-style: chr6-112451183-A-G.
Other names: c.4007T>C, p.Ile1336Thr (NM_001105207.3, NM_002290.5); short protein forms I1336T, I1343T.
Identifiers: ClinVar variation 3866228 (VCV003866228.3).